The following is an entry in ClinVar:

ClinVar aggregate classification (germline): Uncertain significance (1 of 4 stars; one submission).

Conditions:
Hereditary cancer-predisposing syndrome. Also called: Neoplastic Syndromes, Hereditary; Tumor predisposition; Hereditary Cancer Syndrome; Hereditary neoplastic syndrome. Identifiers: Orphanet 140162, MedGen C0027672, MeSH D009386, MONDO:0015356.

Submission:

Ambry Genetics
Classification: Uncertain significance for Hereditary cancer-predisposing syndrome. Last evaluated: 2026-03-27. Review status: criteria provided, single submitter. Criteria: Ambry Variant Classification Scheme 2023. Collection method: clinical testing. Allele origin: germline.
Comment: The c.393G>A variant (also known as p.Q131Q), located in coding exon 3 of the NTHL1 gene, results from a G to A substitution at nucleotide position 393. This nucleotide substitution does not change the glutamine at codon 131. This nucleotide position is well conserved in available vertebrate species. In silico splice site analysis predicts that this alteration may result in the creation or strengthening of a novel splice acceptor site. Based on the available evidence, the clinical significance of this variant remains unclear.

NM_002528.7(NTHL1):c.369G>A (p.Gln123=)

Gene: NTHL1 (nth like DNA glycosylase 1; minus strand). Cytogenetic location: 16p13.3.
Variant type: single nucleotide variant.
Coding change: c.369G>A on transcript NM_002528.7 (MANE Select); coding-DNA position 369, G replaced by A.
Protein change: p.Gln123=; no amino-acid change (glutamine 123 retained).
Molecular consequence: synonymous variant. On other transcripts: intron variant (1).
Genome position (GRCh38, 1-based): chr16:2,044,786, C>T on the plus strand (G>A on the coding strand, the complement: NTHL1 is on the minus strand). VCF-style: chr16-2044786-C-T. GRCh37 (hg19) VCF-style: chr16-2094787-C-T.
Other names: c.39G>A, p.Gln13= (NM_001318194.2); c.355-1060G>A (NM_001318193.2).
Identifiers: ClinVar variation 4861224 (VCV004861224.1).